The following is an entry in ClinVar:

NM_001379500.1(COL18A1):c.384dup (p.Gln129fs)

Gene: COL18A1 (collagen type XVIII alpha 1 chain; plus strand). Cytogenetic location: 21q22.3.
Variant type: Duplication.
Coding change: c.384dup on transcript NM_001379500.1 (MANE Select); coding-DNA position 384, one base duplicated (G; older notation c.384dupG).
Protein change: p.Gln129fs; shifts the reading frame from glutamine 129.
Molecular consequence: frameshift variant.
Genome position (GRCh38, 1-based): chr21:45,468,519, G duplicated. VCF-style (leftmost placement, unchanged base first): chr21-45468518-T-TG. GRCh37 (hg19) VCF-style: chr21-46888432-T-TG.
Other names: c.924dup, p.Gln309fs (NM_030582.4); c.1629dup, p.Gln544fs (NM_130444.3); short protein forms Q129fs, Q309fs, Q544fs.
Identifiers: ClinVar variation 4808351 (VCV004808351.1).

ClinVar aggregate classification (germline): Pathogenic (1 of 4 stars; one submission).

Submission:

Labcorp Genetics (formerly Invitae), Labcorp
Classification: Pathogenic. Last evaluated: 2025-02-06. Review status: criteria provided, single submitter. Criteria: Invitae Variant Classification Sherloc (09022015). Collection method: clinical testing. Allele origin: germline.
Comment: This sequence change creates a premature translational stop signal (p.Gln129Alafs*53) in the COL18A1 gene. It is expected to result in an absent or disrupted protein product. Loss-of-function variants in COL18A1 are known to be pathogenic (PMID: 12415512, 25456301). This variant is not present in population databases (gnomAD no frequency). This variant has not been reported in the literature in individuals affected with COL18A1-related conditions. For these reasons, this variant has been classified as Pathogenic.

Literature cited by the submitters: PubMed 12415512; PubMed 25456301.